The following is an entry in ClinVar:

NM_001252024.2(TRPM1):c.4505C>T (p.Ser1502Phe)

Gene: TRPM1 (transient receptor potential cation channel subfamily M member 1; minus strand). Cytogenetic location: 15q13.3.
Variant type: single nucleotide variant.
Coding change: c.4505C>T on transcript NM_001252024.2 (MANE Select); coding-DNA position 4505, C replaced by T.
Protein change: p.Ser1502Phe; replaces serine 1502 with phenylalanine.
Molecular consequence: missense variant.
Genome position (GRCh38, 1-based): chr15:31,002,195, G>A on the plus strand (C>T on the coding strand, the complement: TRPM1 is on the minus strand). VCF-style: chr15-31002195-G-A. GRCh37 (hg19) VCF-style: chr15-31294398-G-A.
Other names: c.4556C>T, p.Ser1519Phe (NM_001252020.2); c.4439C>T, p.Ser1480Phe (NM_002420.6); c.4439C>T (NM_002420.4); short protein forms S1480F, S1519F, S1502F.
Identifiers: ClinVar variation 969795 (VCV000969795.11), dbSNP rs1177710201, ClinGen allele CA391523223.

ClinVar aggregate classification (germline): Uncertain significance. Review status: criteria provided, multiple submitters, no conflicts (2 of 4 stars). 2 submissions from 2 submitters: Uncertain significance (2). Last evaluated 2024-11-10.

Conditions:
Inborn genetic diseases. Identifiers: MedGen C0950123, MeSH D030342.

Allele frequency attached by ClinVar (database versions not stated): gnomAD 0.00001; TOPMed 0.00001; gnomAD exomes 0.00002.
gnomAD v4.1: 5 of 1,614,106 alleles (0.00031%); highest among the groups gnomAD compares: East Asian, 0.0089%; no homozygotes.

Submissions (2):

Ambry Genetics
Classification: Uncertain significance for Inborn genetic diseases. Last evaluated: 2024-11-10. Review status: criteria provided, single submitter. Criteria: Ambry Variant Classification Scheme 2023. Collection method: clinical testing. Allele origin: germline.

Labcorp Genetics (formerly Invitae), Labcorp
Classification: Uncertain significance. Last evaluated: 2022-08-09. Review status: criteria provided, single submitter. Criteria: Invitae Variant Classification Sherloc (09022015). Collection method: clinical testing. Allele origin: germline.
Comment: This sequence change replaces serine, which is neutral and polar, with phenylalanine, which is neutral and non-polar, at codon 1480 of the TRPM1 protein (p.Ser1480Phe). In summary, the available evidence is currently insufficient to determine the role of this variant in disease. Therefore, it has been classified as a Variant of Uncertain Significance. Algorithms developed to predict the effect of missense changes on protein structure and function are either unavailable or do not agree on the potential impact of this missense change (SIFT: "Deleterious"; PolyPhen-2: "Possibly Damaging"; Align-GVGD: "Class C0"). ClinVar contains an entry for this variant (Variation ID: 969795). This variant has not been reported in the literature in individuals affected with TRPM1-related conditions. This variant is present in population databases (no rsID available, gnomAD 0.04%).